The following is an entry in ClinVar:

NM_005271.5(GLUD1):c.789G>A (p.Gly263=)

Gene: GLUD1 (glutamate dehydrogenase 1; minus strand). Cytogenetic location: 10q23.2.
Variant type: single nucleotide variant.
Coding change: c.789G>A on transcript NM_005271.5 (MANE Select); coding-DNA position 789, G replaced by A.
Protein change: p.Gly263=; no amino-acid change (glycine 263 retained).
Molecular consequence: synonymous variant.
Genome position (GRCh38, 1-based): chr10:87,062,788, C>T on the plus strand (G>A on the coding strand, the complement: GLUD1 is on the minus strand). VCF-style: chr10-87062788-C-T. GRCh37 (hg19) VCF-style: chr10-88822545-C-T.
Other names: c.390G>A, p.Gly130= (NM_001318900.1); c.288G>A, p.Gly96= (NM_001318901.1, NM_001318902.1, NM_001318904.2 and 2 more transcripts).
Identifiers: ClinVar variation 2640657 (VCV002640657.24), dbSNP rs1845969873, ClinGen allele CA470671257.
Genomic context (GRCh38, chr10:87,062,788, plus strand): 5'-GAAATTTTCAATCCCATGGAAGACACCACGGCCAGTAGCAGAGATGCGTCCATGGATTCC[C>T]CCTTGGCTGATGGGTTTACCAGTAACACAGGCGTGTGCATTAATATCCTGTAAGAGGGGG-3'
Protein context (NP_005262.1, residues 253-273): ACVTGKPISQ[Gly263=]GIHGRISATG

ClinVar aggregate classification (germline): Likely benign (1 of 4 stars; one submission).

Allele frequency attached by ClinVar (database versions not stated): TOPMed below 0.00001; gnomAD 0.00001.
gnomAD v4.1: 1 of 1,614,020 alleles (0.000062%); highest among the groups gnomAD compares: Non-Finnish European, 0.000085%; no homozygotes.

Submission:

CeGaT Center for Human Genetics Tuebingen
Classification: Likely benign. Last evaluated: 2023-01-01. Review status: criteria provided, single submitter. Criteria: CeGaT Center For Human Genetics Tuebingen Variant Classification Criteria Version 2. Collection method: clinical testing. Allele origin: germline. Affected: yes. Observed: 1 variant allele.
Comment: GLUD1: BP4, BP7